The following is an entry in ClinVar:

ClinVar aggregate classification (germline): Likely pathogenic (1 of 4 stars; one submission).

Submission:

Mayo Clinic Laboratories, Mayo Clinic
Classification: Likely pathogenic. Last evaluated: 2024-09-16. Review status: criteria provided, single submitter. Criteria: ACMG Guidelines, 2015. Collection method: clinical testing. Allele origin: germline. Observed: 1 variant allele.
Comment: PM2, PVS1

NM_000313.4(PROS1):c.937_938del (p.Leu313fs)

Gene: PROS1 (protein S; minus strand). Cytogenetic location: 3q11.1.
Variant type: Deletion.
Coding change: c.937_938del on transcript NM_000313.4 (MANE Select); coding-DNA positions 937 to 938, 2 bases deleted (TT; older notation c.937_938delTT).
Protein change: p.Leu313fs; shifts the reading frame from leucine 313.
Molecular consequence: frameshift variant.
Genome position (GRCh38, 1-based): chr3:93,896,603-93,896,604, AA deleted on the plus strand (TT on the coding strand, the reverse complement: PROS1 is on the minus strand); deleting any 2 consecutive bases within chr3:93,896,603-93,896,605 gives the same sequence; the c. name uses the placement nearest the transcript's 3' end. VCF-style (leftmost placement, unchanged base first): chr3-93896602-TAA-T. GRCh37 (hg19) VCF-style: chr3-93615446-TAA-T.
Other names: p.Leu313Lysfs*15; c.1033_1034del, p.Leu345fs (NM_001314077.2); short protein forms L313fs, L345fs.
Identifiers: ClinVar variation 3380973 (VCV003380973.1).
Genomic context (GRCh38, chr3:93,896,602, plus strand): 5'-CCTCTAGAAATTATCATTGGTATTGGTTCCTCACCTGCTGATTTCTGGCAAACGAAATTT[TAA>T]ATATAAAACAACCCCTGCAAACTGCTCCGCCAAGTAAAGTAATTCATACTTTGTGTCAAG-3'